The following is an entry in ClinVar:

NM_000603.5(NOS3):c.3468C>T (p.His1156=)

Genes: ATG9B (autophagy related 9B; minus strand), NOS3 (nitric oxide synthase 3; plus strand). Cytogenetic location: 7q36.1.
Variant type: single nucleotide variant.
Coding change: c.3468C>T on transcript NM_000603.5 (MANE Select); coding-DNA position 3468, C replaced by T.
Protein change: p.His1156=; no amino-acid change (histidine 1156 retained).
Molecular consequence: synonymous variant.
Genome position (GRCh38, 1-based): chr7:151,014,025, C>T. VCF-style: chr7-151014025-C-T. GRCh37 (hg19) VCF-style: chr7-150711113-C-T.
Identifiers: ClinVar variation 741463 (VCV000741463.5), dbSNP rs141211712, ClinGen allele CA4567730.

ClinVar aggregate classification (germline): Likely benign. Review status: criteria provided, multiple submitters, no conflicts (2 of 4 stars). 3 submissions from 3 submitters: Likely benign (3). Last evaluated 2025-02-05.

Conditions:
NOS3-related disorder. Also called: NOS3-related condition.

Allele frequency attached by ClinVar (database versions not stated): ExAC 0.00056; gnomAD exomes 0.00057; TOPMed 0.00068; gnomAD 0.00071 and 0.00072; 1000 Genomes Project 30x 0.00078; 1000 Genomes Project 0.00080; ESP Exome Variant Server 0.00108.
gnomAD v4.1: 2,053 of 1,613,066 alleles (0.13%); highest among the groups gnomAD compares: Non-Finnish European, 0.17%; 4 homozygotes.

Submissions (3):

PreventionGenetics, part of Exact Sciences
Classification: Likely benign for NOS3-related condition. Last evaluated: 2025-02-05. Review status: criteria provided, single submitter. Criteria: ACMG Guidelines, 2015. Collection method: clinical testing. Allele origin: germline.
Comment: This variant is classified as likely benign based on ACMG/AMP sequence variant interpretation guidelines (Richards et al. 2015 PMID: 25741868, with internal and published modifications).

Women's Health and Genetics/Laboratory Corporation of America, LabCorp
Classification: Likely benign. Last evaluated: 2024-07-09. Review status: criteria provided, single submitter. Criteria: LabCorp Variant Classification Summary - May 2015. Collection method: clinical testing. Allele origin: germline.

Labcorp Genetics (formerly Invitae), Labcorp
Classification: Likely benign. Last evaluated: 2018-07-31. Review status: criteria provided, single submitter. Criteria: Invitae Variant Classification Sherloc (09022015). Collection method: clinical testing. Allele origin: germline.